The following is an entry in ClinVar:

NM_001904.4(CTNNB1):c.1393A>G (p.Ile465Val)

Genes: CTNNB1 (catenin beta 1; plus strand), LOC126806659 (BRD4-independent group 4 enhancer GRCh37_chr3:41274918-41276117; plus strand). Cytogenetic location: 3p22.1.
Variant type: single nucleotide variant.
Coding change: c.1393A>G on transcript NM_001904.4 (MANE Select); coding-DNA position 1393, A replaced by G.
Protein change: p.Ile465Val; replaces isoleucine 465 with valine.
Molecular consequence: missense variant.
Genome position (GRCh38, 1-based): chr3:41,233,736, A>G. VCF-style: chr3-41233736-A-G. GRCh37 (hg19) VCF-style: chr3-41275227-A-G.
Other names: c.1393A>G, p.Ile465Val (NM_001098209.2, NM_001098210.2); c.1372A>G, p.Ile458Val (NM_001330729.2); c.1393A>G (NM_001904.3); short protein forms I458V, I465V.
Identifiers: ClinVar variation 2653695 (VCV002653695.26), dbSNP rs1394698950, ClinGen allele CA352233343.

ClinVar aggregate classification (germline): Uncertain significance. Review status: criteria provided, multiple submitters, no conflicts (2 of 4 stars). 3 submissions from 3 submitters: Uncertain significance (3). Last evaluated 2025-04-20.

Allele frequency attached by ClinVar (database versions not stated): gnomAD exomes below 0.00001; gnomAD 0.00001; TOPMed 0.00001.
gnomAD v4.1: 6 of 1,613,980 alleles (0.00037%); highest among the groups gnomAD compares: Non-Finnish European, 0.00051%; no homozygotes.

Submissions (3):

Labcorp Genetics (formerly Invitae), Labcorp
Classification: Uncertain significance. Last evaluated: 2025-04-20. Review status: criteria provided, single submitter. Criteria: Invitae Variant Classification Sherloc (09022015). Collection method: clinical testing. Allele origin: germline.
Comment: This sequence change replaces isoleucine, which is neutral and non-polar, with valine, which is neutral and non-polar, at codon 465 of the CTNNB1 protein (p.Ile465Val). This variant is present in population databases (no rsID available, gnomAD 0.002%). This variant has not been reported in the literature in individuals affected with CTNNB1-related conditions. ClinVar contains an entry for this variant (Variation ID: 2653695). Invitae Evidence Modeling of protein sequence and biophysical properties (such as structural, functional, and spatial information, amino acid conservation, physicochemical variation, residue mobility, and thermodynamic stability) indicates that this missense variant is not expected to disrupt CTNNB1 protein function with a negative predictive value of 80%. In summary, the available evidence is currently insufficient to determine the role of this variant in disease. Therefore, it has been classified as a Variant of Uncertain Significance.

GeneDx
Classification: Uncertain significance. Last evaluated: 2024-04-11. Review status: criteria provided, single submitter. Criteria: GeneDx Variant Classification Process June 2021. Collection method: clinical testing. Allele origin: germline. Affected: yes.
Comment: In silico analysis indicates that this missense variant does not alter protein structure/function; Has not been previously published as pathogenic or benign to our knowledge

CeGaT Center for Human Genetics Tuebingen
Classification: Uncertain significance. Last evaluated: 2022-04-01. Review status: criteria provided, single submitter. Criteria: CeGaT Center For Human Genetics Tuebingen Variant Classification Criteria Version 2. Collection method: clinical testing. Allele origin: germline. Affected: yes. Observed: 1 variant allele.
Comment: CTNNB1: PP2